The following is an entry in ClinVar:

NM_003907.3(EIF2B5):c.1934C>T (p.Ala645Val)

Gene: EIF2B5 (eukaryotic translation initiation factor 2B subunit epsilon; plus strand). Cytogenetic location: 3q27.1.
Variant type: single nucleotide variant.
Coding change: c.1934C>T on transcript NM_003907.3 (MANE Select); coding-DNA position 1934, C replaced by T.
Protein change: p.Ala645Val; replaces alanine 645 with valine.
Molecular consequence: missense variant.
Genome position (GRCh38, 1-based): chr3:184,144,163, C>T. VCF-style: chr3-184144163-C-T. GRCh37 (hg19) VCF-style: chr3-183861951-C-T.
Other names: short protein forms A645V.
Identifiers: ClinVar variation 593061 (VCV000593061.16), dbSNP rs150130018, ClinGen allele CA2726851.

ClinVar aggregate classification (germline): Likely benign. Review status: criteria provided, multiple submitters, no conflicts (2 of 4 stars). 4 submissions from 4 submitters: Likely benign (2). 2 of the submissions do not count toward it. Last evaluated 2026-02-02.

Conditions:
EIF2B5-related disorder. Also called: EIF2B5-related condition.
Vanishing white matter disease. Also called: CACH syndrome; Childhood ataxia with diffuse central nervous system hypomyelination; Leukoencephalopathy with vanishing white matter; CACH/VWM syndrome; Cree leukoencehalopathy. Identifiers: Orphanet 135, Orphanet 99853, MedGen C1858991, MONDO:0800448.

Allele frequency attached by ClinVar (database versions not stated): gnomAD exomes 0.00011 and 0.00026; ExAC 0.00030; ESP Exome Variant Server 0.00115; 1000 Genomes Project 0.00120; gnomAD 0.00126 and 0.00133; 1000 Genomes Project 30x 0.00141; TOPMed 0.00148.
gnomAD v4.1: 369 of 1,614,212 alleles (0.023%); highest among the groups gnomAD compares: African/African-American, 0.44%; no homozygotes.

Submissions (4):

Labcorp Genetics (formerly Invitae), Labcorp
Classification: Likely benign. Last evaluated: 2026-02-02. Review status: criteria provided, single submitter. Criteria: Invitae Variant Classification Sherloc (09022015). Collection method: clinical testing. Allele origin: germline.

Eurofins Ntd Llc (ga)
Classification: Likely benign. Last evaluated: 2017-07-14. Review status: criteria provided, single submitter. Criteria: EGL Classification Definitions 2015. Collection method: clinical testing. Allele origin: germline. Observed: 1 variant allele, 1 heterozygote.

Natera, Inc.
Classification: Likely benign for Leukoencephalopathy with vanishing white matter. Last evaluated: 2021-02-26. Review status: no assertion criteria provided. Collection method: clinical testing. Allele origin: germline. Not counted in ClinVar's aggregate classification.

PreventionGenetics, part of Exact Sciences
Classification: Likely benign for EIF2B5-related condition. Last evaluated: 2020-11-06. Review status: no assertion criteria provided. Collection method: clinical testing. Allele origin: germline. Not counted in ClinVar's aggregate classification.
Comment: This variant is classified as likely benign based on ACMG/AMP sequence variant interpretation guidelines (Richards et al. 2015 PMID: 25741868, with internal and published modifications).